The following is an entry in ClinVar:

ClinVar aggregate classification (germline): Likely benign. Review status: criteria provided, multiple submitters, no conflicts (2 of 4 stars). 3 submissions from 3 submitters: Likely benign (3). Last evaluated 2025-02-02.

Conditions:
Developmental and epileptic encephalopathy, 12 (DEE12). Identifiers: MedGen C3150988, MONDO:0013389, OMIM 613722.

Allele frequency attached by ClinVar (database versions not stated): gnomAD exomes 0.00001 and 0.00003; ExAC 0.00004; gnomAD 0.00005 and 0.00006; TOPMed 0.00005; ESP Exome Variant Server 0.00015.

Submissions (3):

Labcorp Genetics (formerly Invitae), Labcorp
Classification: Likely benign for Developmental and epileptic encephalopathy, 12. Last evaluated: 2025-02-02. Review status: criteria provided, single submitter. Criteria: Invitae Variant Classification Sherloc (09022015). Collection method: clinical testing. Allele origin: germline.

Athena Diagnostics
Classification: Likely benign. Last evaluated: 2018-05-17. Review status: criteria provided, single submitter. Criteria: Athena Diagnostics Criteria. Collection method: clinical testing. Allele origin: germline.

GeneDx
Classification: Likely benign. Last evaluated: 2017-01-17. Review status: criteria provided, single submitter. Criteria: GeneDx Variant Classification (06012015). Collection method: clinical testing. Allele origin: germline. Affected: yes.
Comment: This variant is considered likely benign or benign based on one or more of the following criteria: it is a conservative change, it occurs at a poorly conserved position in the protein, it is predicted to be benign by multiple in silico algorithms, and/or has population frequency not consistent with disease.

NM_007254.4(PNKP):c.1062C>T (p.Leu354=)

Gene: PNKP (polynucleotide kinase 3'-phosphatase; minus strand). Cytogenetic location: 19q13.33.
Variant type: single nucleotide variant.
Coding change: c.1062C>T on transcript NM_007254.4 (MANE Select); coding-DNA position 1062, C replaced by T.
Protein change: p.Leu354=; no amino-acid change (leucine 354 retained).
Molecular consequence: synonymous variant.
Genome position (GRCh38, 1-based): chr19:49,862,249, G>A on the plus strand (C>T on the coding strand, the complement: PNKP is on the minus strand). VCF-style: chr19-49862249-G-A. GRCh37 (hg19) VCF-style: chr19-50365506-G-A.
Identifiers: ClinVar variation 392824 (VCV000392824.11), dbSNP rs142830558, ClinGen allele CA9586628.
Genomic context (GRCh38, chr19:49,862,249, plus strand): 5'-AGGGAATCCCACTGCGACAACCACCTCCGGGCTGGCGCTCAGGAGGGCCCTGGACTCGGG[G>A]AGGCAGAGAGGCCCTGAGCGGGAGACAGTCCTCTGCGAGGGGCGGGGGACACGCGTGAGA-3'
Protein context (NP_009185.2, residues 344-364): RTVSRSGPLC[Leu354=]PESRALLSAS